The following is an entry in ClinVar:

NM_001004334.4(GPR179):c.502C>T (p.Arg168Trp)

Gene: GPR179 (G protein-coupled receptor 179; minus strand). Cytogenetic location: 17q12.
Variant type: single nucleotide variant.
Coding change: c.502C>T on transcript NM_001004334.4 (MANE Select); coding-DNA position 502, C replaced by T.
Protein change: p.Arg168Trp; replaces arginine 168 with tryptophan.
Molecular consequence: missense variant.
Genome position (GRCh38, 1-based): chr17:38,343,288, G>A on the plus strand (C>T on the coding strand, the complement: GPR179 is on the minus strand). VCF-style: chr17-38343288-G-A. GRCh37 (hg19) VCF-style: chr17-36499171-G-A.
Other names: short protein forms R168W.
Identifiers: ClinVar variation 3619833 (VCV003619833.2).

ClinVar aggregate classification (germline): Uncertain significance (1 of 4 stars; one submission).

gnomAD v4.1: 15 of 1,614,018 alleles (0.00093%); highest among the groups gnomAD compares: South Asian, 0.0066%; no homozygotes.

Submission:

Labcorp Genetics (formerly Invitae), Labcorp
Classification: Uncertain significance. Last evaluated: 2024-06-10. Review status: criteria provided, single submitter. Criteria: Invitae Variant Classification Sherloc (09022015). Collection method: clinical testing. Allele origin: germline.
Comment: This sequence change replaces arginine, which is basic and polar, with tryptophan, which is neutral and slightly polar, at codon 168 of the GPR179 protein (p.Arg168Trp). This variant is present in population databases (rs780243815, gnomAD 0.003%). This variant has not been reported in the literature in individuals affected with GPR179-related conditions. An algorithm developed to predict the effect of missense changes on protein structure and function (PolyPhen-2) suggests that this variant is likely to be disruptive. In summary, the available evidence is currently insufficient to determine the role of this variant in disease. Therefore, it has been classified as a Variant of Uncertain Significance.